The following is an entry in ClinVar:

NM_014806.5(RUSC2):c.2788T>C (p.Phe930Leu)

Gene: RUSC2 (RUN and SH3 domain containing 2; plus strand). Cytogenetic location: 9p13.3.
Variant type: single nucleotide variant.
Coding change: c.2788T>C on transcript NM_014806.5 (MANE Select); coding-DNA position 2788, T replaced by C.
Protein change: p.Phe930Leu; replaces phenylalanine 930 with leucine.
Molecular consequence: missense variant. On other transcripts: non-coding transcript variant (1).
Genome position (GRCh38, 1-based): chr9:35,556,083, T>C. VCF-style: chr9-35556083-T-C. GRCh37 (hg19) VCF-style: chr9-35556080-T-C.
Other names: c.2788T>C, p.Phe930Leu (NM_001135999.2); c.154T>C, p.Phe52Leu (NM_001330740.2); short protein forms F930L, F52L.
Identifiers: ClinVar variation 1487621 (VCV001487621.8), dbSNP rs2131697228, ClinGen allele CA373344980.

ClinVar aggregate classification (germline): Uncertain significance (1 of 4 stars; one submission).

Submission:

Labcorp Genetics (formerly Invitae), Labcorp
Classification: Uncertain significance. Last evaluated: 2024-02-24. Review status: criteria provided, single submitter. Criteria: Invitae Variant Classification Sherloc (09022015). Collection method: clinical testing. Allele origin: germline.
Comment: This sequence change replaces phenylalanine, which is neutral and non-polar, with leucine, which is neutral and non-polar, at codon 930 of the RUSC2 protein (p.Phe930Leu). This variant is not present in population databases (gnomAD no frequency). This variant has not been reported in the literature in individuals affected with RUSC2-related conditions. ClinVar contains an entry for this variant (Variation ID: 1487621). An algorithm developed to predict the effect of missense changes on protein structure and function (PolyPhen-2) suggests that this variant is likely to be tolerated. In summary, the available evidence is currently insufficient to determine the role of this variant in disease. Therefore, it has been classified as a Variant of Uncertain Significance.